The following is an entry in ClinVar:

ClinVar aggregate classification (germline): Conflicting classifications of pathogenicity. Review status: criteria provided, conflicting classifications (1 of 4 stars). 2 submissions from 2 submitters: Likely pathogenic (1); Uncertain significance (1). Last evaluated 2022-07-04.

Conditions:
DCAF6-related condition.
Cerebral visual impairment and intellectual disability.

Allele frequency attached by ClinVar (database versions not stated): ExAC 0.00070; gnomAD exomes 0.00072; ESP Exome Variant Server 0.00031; gnomAD 0.00038; TOPMed 0.00053.
gnomAD v4.1: 800 of 1,607,734 alleles (0.05%); highest among the groups gnomAD compares: Middle Eastern, 0.3%; no homozygotes.

Submissions (2):

Department of Pathology and Laboratory Medicine, Sinai Health System
Classification: Uncertain significance for DCAF6-related condition. Last evaluated: 2022-07-04. Review status: criteria provided, single submitter. Criteria: ACMG Guidelines, 2015. Collection method: research. Allele origin: germline.

Lupski Lab, Baylor-Hopkins CMG, Baylor College of Medicine
Classification: Likely pathogenic for Cerebral visual impairment and intellectual disability. Last evaluated: 2015-09-09. Review status: criteria provided, single submitter. Criteria: Bosch et al. (EJHG 2015). Collection method: research. Allele origin: germline. Affected: yes and no. Observed: 3 variant alleles, 2 heterozygotes, 1 homozygote.
Comment: This study shows that diverse genetic causes underlie CVI.

NM_001198956.2(DCAF6):c.2240G>A (p.Arg747Gln)

Gene: DCAF6 (DDB1 and CUL4 associated factor 6; plus strand). Cytogenetic location: 1q24.2.
Variant type: single nucleotide variant.
Coding change: c.2240G>A on transcript NM_001198956.2 (MANE Select); coding-DNA position 2240, G replaced by A.
Protein change: p.Arg747Gln; replaces arginine 747 with glutamine.
Molecular consequence: missense variant. On other transcripts: non-coding transcript variant (3).
Genome position (GRCh38, 1-based): chr1:168,045,209, G>A. VCF-style: chr1-168045209-G-A. GRCh37 (hg19) VCF-style: chr1-168014447-G-A.
Other names: c.2069G>A, p.Arg690Gln (NM_001393651.1, NM_018442.4); c.2009G>A, p.Arg670Gln (NM_001017977.3, NM_001393650.1); c.2147G>A, p.Arg716Gln (NM_001198957.2); c.2240G>A, p.Arg747Gln (NM_001349773.2); c.1628G>A, p.Arg543Gln (NM_001349774.2, NM_001349775.2, NM_001349776.2 and 1 more transcripts); c.1568G>A, p.Arg523Gln (NM_001349778.2, NM_001349779.2, NM_001349780.2); short protein forms R747Q, R690Q, R543Q, R670Q, R523Q, R716Q.
Identifiers: ClinVar variation 224814 (VCV000224814.3), dbSNP rs145189179, ClinGen allele CA357934.